The following is an entry in ClinVar:

NM_000540.3(RYR1):c.11140A>G (p.Ser3714Gly)

Gene: RYR1 (ryanodine receptor 1; plus strand). Cytogenetic location: 19q13.2.
Variant type: single nucleotide variant.
Coding change: c.11140A>G on transcript NM_000540.3 (MANE Select); coding-DNA position 11140, A replaced by G.
Protein change: p.Ser3714Gly; replaces serine 3714 with glycine.
Molecular consequence: missense variant.
Genome position (GRCh38, 1-based): chr19:38,529,056, A>G. VCF-style: chr19-38529056-A-G. GRCh37 (hg19) VCF-style: chr19-39019696-A-G.
Other names: c.11125A>G, p.Ser3709Gly (NM_001042723.2); short protein forms S3714G, S3709G.
Identifiers: ClinVar variation 4732827 (VCV004732827.2).

ClinVar aggregate classification (germline): Uncertain significance. Review status: criteria provided, multiple submitters, no conflicts (2 of 4 stars). 2 submissions from 2 submitters: Uncertain significance (2). Last evaluated 2026-03-10.

Conditions:
Inborn genetic diseases. Identifiers: MedGen C0950123, MeSH D030342.
RYR1-related disorder. Also called: RYR1-related condition; RYR1-related disorders. Identifiers: MedGen CN239331.

Submissions (2):

Ambry Genetics
Classification: Uncertain significance for Inborn genetic diseases. Last evaluated: 2026-03-10. Review status: criteria provided, single submitter. Criteria: Ambry Variant Classification Scheme 2023. Collection method: clinical testing. Allele origin: germline.

Labcorp Genetics (formerly Invitae), Labcorp
Classification: Uncertain significance for RYR1-related disorder. Last evaluated: 2025-12-16. Review status: criteria provided, single submitter. Criteria: Invitae Variant Classification Sherloc (09022015). Collection method: clinical testing. Allele origin: germline.
Comment: This sequence change replaces serine, which is neutral and polar, with glycine, which is neutral and non-polar, at codon 3714 of the RYR1 protein (p.Ser3714Gly). This variant is not present in population databases (gnomAD no frequency). This variant has not been reported in the literature in individuals affected with RYR1-related conditions. An algorithm developed to predict the effect of missense changes on protein structure and function (PolyPhen-2) suggests that this variant is likely to be tolerated. Algorithms developed to predict the effect of sequence changes on RNA splicing suggest that this variant may disrupt the consensus splice site. In summary, the available evidence is currently insufficient to determine the role of this variant in disease. Therefore, it has been classified as a Variant of Uncertain Significance.